The following is an entry in ClinVar:

NM_004482.4(GALNT3):c.505C>T (p.Arg169Ter)

Gene: GALNT3 (polypeptide N-acetylgalactosaminyltransferase 3; minus strand). Cytogenetic location: 2q24.3.
Variant type: single nucleotide variant.
Coding change: c.505C>T on transcript NM_004482.4 (MANE Select); coding-DNA position 505, C replaced by T.
Protein change: p.Arg169Ter; replaces arginine 169 with a stop codon.
Molecular consequence: nonsense.
Genome position (GRCh38, 1-based): chr2:165,770,196, G>A on the plus strand (C>T on the coding strand, the complement: GALNT3 is on the minus strand). VCF-style: chr2-165770196-G-A. GRCh37 (hg19) VCF-style: chr2-166626706-G-A.
Other names: short protein forms R169*.
Identifiers: ClinVar variation 561015 (VCV000561015.11), dbSNP rs775341386, ClinGen allele CA1941227.

ClinVar aggregate classification (germline): Pathogenic (1 of 4 stars; one submission).

Allele frequency attached by ClinVar (database versions not stated): ExAC 0.00001; gnomAD 0.00001; gnomAD exomes 0.00001; TOPMed 0.00001.
gnomAD v4.1: 11 of 1,613,972 alleles (0.00068%); highest among the groups gnomAD compares: African/African-American, 0.0027%; no homozygotes.

Submission:

Labcorp Genetics (formerly Invitae), Labcorp
Classification: Pathogenic. Last evaluated: 2023-06-16. Review status: criteria provided, single submitter. Criteria: Invitae Variant Classification Sherloc (09022015). Collection method: clinical testing. Allele origin: germline.
Comment: This sequence change creates a premature translational stop signal (p.Arg169*) in the GALNT3 gene. It is expected to result in an absent or disrupted protein product. Loss-of-function variants in GALNT3 are known to be pathogenic (PMID: 15133511, 20358599). This variant is present in population databases (rs775341386, gnomAD 0.004%). This variant has not been reported in the literature in individuals affected with GALNT3-related conditions. ClinVar contains an entry for this variant (Variation ID: 561015). For these reasons, this variant has been classified as Pathogenic.

Literature cited by the submitters: PubMed 15133511; PubMed 20358599.